The following is an entry in ClinVar:

NM_145290.4(ADGRA3):c.2624T>C (p.Leu875Pro)

Gene: ADGRA3 (adhesion G protein-coupled receptor A3; minus strand). Cytogenetic location: 4p15.2.
Variant type: single nucleotide variant.
Coding change: c.2624T>C on transcript NM_145290.4 (MANE Select); coding-DNA position 2624, T replaced by C.
Protein change: p.Leu875Pro; replaces leucine 875 with proline.
Molecular consequence: missense variant.
Genome position (GRCh38, 1-based): chr4:22,392,548, A>G on the plus strand (T>C on the coding strand, the complement: ADGRA3 is on the minus strand). VCF-style: chr4-22392548-A-G. GRCh37 (hg19) VCF-style: chr4-22394171-A-G.
Other names: short protein forms L875P.
Identifiers: ClinVar variation 971612 (VCV000971612.8), dbSNP rs1431270333, ClinGen allele CA356475848.
Genomic context (GRCh38, chr4:22,392,548, plus strand): 5'-TGATTATGCTTCAATGAAAGCAAACAAAACAATTAATACAACAAAGATATGAGATACCTG[A>G]GCATTGGTCTTGGTGGAGGTGGTGGTTCATCAGGATCCTGGCATCTTTTAGCTTTTTTAG-3'
Protein context (NP_660333.2, residues 865-885): DEPPPPPRPM[Leu875Pro]RFYLIGGGIP

ClinVar aggregate classification (germline): Uncertain significance (1 of 4 stars; one submission).

Allele frequency attached by ClinVar (database versions not stated): gnomAD 0.00001.
gnomAD v4.1: 1 of 1,613,480 alleles (0.000062%); highest among the groups gnomAD compares: African/African-American, 0.0013%; no homozygotes.

Submission:

Labcorp Genetics (formerly Invitae), Labcorp
Classification: Uncertain significance. Last evaluated: 2025-07-28. Review status: criteria provided, single submitter. Criteria: Invitae Variant Classification Sherloc (09022015). Collection method: clinical testing. Allele origin: germline.
Comment: This sequence change replaces leucine, which is neutral and non-polar, with proline, which is neutral and non-polar, at codon 875 of the ADGRA3 protein (p.Leu875Pro). This variant is present in population databases (no rsID available, gnomAD 0.01%). This variant has not been reported in the literature in individuals affected with ADGRA3-related conditions. ClinVar contains an entry for this variant (Variation ID: 971612). An algorithm developed to predict the effect of missense changes on protein structure and function (PolyPhen-2) suggests that this variant is likely to be disruptive. In summary, the available evidence is currently insufficient to determine the role of this variant in disease. Therefore, it has been classified as a Variant of Uncertain Significance.